The following is an entry in ClinVar:

NM_024105.4(ALG12):c.437G>A (p.Arg146Gln)

Gene: ALG12 (ALG12 alpha-1,6-mannosyltransferase; minus strand). Cytogenetic location: 22q13.33.
Variant type: single nucleotide variant.
Coding change: c.437G>A on transcript NM_024105.4 (MANE Select); coding-DNA position 437, G replaced by A.
Protein change: p.Arg146Gln; replaces arginine 146 with glutamine.
Molecular consequence: missense variant.
Genome position (GRCh38, 1-based): chr22:49,910,466, C>T on the plus strand (G>A on the coding strand, the complement: ALG12 is on the minus strand). VCF-style: chr22-49910466-C-T. GRCh37 (hg19) VCF-style: chr22-50304114-C-T.
Other names: short protein forms R146Q.
Identifiers: ClinVar variation 3435 (VCV000003435.18), dbSNP rs121907932, ClinGen allele CA252771.
Genomic context (GRCh38, chr22:49,910,466, plus strand): 5'-TGTGCAGGCCCGGCCGGCAGCTACGTACCTACAGGCAGGGCCAGCACATTGGGCAGTGTC[C>T]GCGTGCAGTAGAACATCAGGTGGAACTGCATGGCCGTCACCCAGCAGAACATGGTGGCCA-3'
Protein context (NP_077010.1, residues 136-156): MQFHLMFYCT[Arg146Gln]TLPNVLALPV

ClinVar aggregate classification (germline): Pathogenic/Likely pathogenic. Review status: criteria provided, multiple submitters, no conflicts (2 of 4 stars). 8 submissions from 8 submitters: Pathogenic (5); Likely pathogenic (2). 1 of the submissions does not count toward it. Last evaluated 2025-11-06.

Conditions:
ALG12-related disorder. Also called: ALG12-related condition.
ALG12-congenital disorder of glycosylation (CDG1G). Also called: Congenital disorder of glycosylation, type Ig; CDG Ig; ALG12-CDG. Identifiers: Orphanet 79324, MedGen C2931001, MONDO:0011783, OMIM 607143.

Allele frequency attached by ClinVar (database versions not stated): gnomAD exomes 0.00012; ExAC 0.00015; gnomAD 0.00015 and 0.00016; TOPMed 0.00022.
gnomAD v4.1: 199 of 1,613,640 alleles (0.012%); highest among the groups gnomAD compares: Non-Finnish European, 0.014%; no homozygotes.

Submissions (8):

Women's Health and Genetics/Laboratory Corporation of America, LabCorp
Classification: Pathogenic for ALG12-congenital disorder of glycosylation. Last evaluated: 2025-11-06. Review status: criteria provided, single submitter. Criteria: LabCorp Variant Classification Summary - May 2015. Collection method: clinical testing. Allele origin: germline.
Comment: Variant summary: ALG12 c.437G>A (p.Arg146Gln) results in a conservative amino acid change in the encoded protein sequence. Algorithms developed to predict the effect of missense changes on protein structure and function are either unavailable or do not agree on the potential impact of this missense change. The variant allele was found at a frequency of 0.00012 in 250992 control chromosomes. This frequency is not significantly higher than estimated for disease-causing variants in ALG12, allowing no conclusion about variant significance. c.437G>A has been reported in the presumed compound heterozygous state in the literature in multiple individuals affected with Congenital Disorder Of Glycosylation (Grubenmann_2002, Kranz_2007, Normand_2018, Scott_2022), including at least 1 family where it segregated with disease. These data indicate that the variant is likely to be associated with disease. A functional yeast complementation assay showed that the variant had very weak rescue ability in an ALG12-deficient yeast strain, indicating loss of function (Grubenmann_2002). The following publications have been ascertained in the context of this evaluation (PMID: 12217961, 17506107, 30266093, 33461977). ClinVar contains an entry for this variant (Variation ID: 3435). Based on the evidence outlined above, the variant was classified as pathogenic.

Labcorp Genetics (formerly Invitae), Labcorp
Classification: Pathogenic for ALG12-congenital disorder of glycosylation. Last evaluated: 2025-09-09. Review status: criteria provided, single submitter. Criteria: Invitae Variant Classification Sherloc (09022015). Collection method: clinical testing. Allele origin: germline.
Comment: This sequence change replaces arginine, which is basic and polar, with glutamine, which is neutral and polar, at codon 146 of the ALG12 protein (p.Arg146Gln). This variant is present in population databases (rs121907932, gnomAD 0.02%). This missense change has been observed in individual(s) with clinical features of congenital disorders of glycosylation (PMID: 12217961, 17506107, 30266093, 33461977). In at least one individual the data is consistent with being in trans (on the opposite chromosome) from a pathogenic variant. ClinVar contains an entry for this variant (Variation ID: 3435). Invitae Evidence Modeling of protein sequence and biophysical properties (such as structural, functional, and spatial information, amino acid conservation, physicochemical variation, residue mobility, and thermodynamic stability) indicates that this missense variant is expected to disrupt ALG12 protein function with a positive predictive value of 80%. Experimental studies are conflicting or provide insufficient evidence to determine the effect of this variant on ALG12 function (PMID: 12217961). For these reasons, this variant has been classified as Pathogenic.

Fulgent Genetics
Classification: Likely pathogenic for ALG12-congenital disorder of glycosylation. Last evaluated: 2024-04-09. Review status: criteria provided, single submitter. Criteria: ACMG Guidelines, 2015. Collection method: clinical testing. Allele origin: germline.

PreventionGenetics, part of Exact Sciences
Classification: Pathogenic for ALG12-related condition. Last evaluated: 2023-01-03. Review status: criteria provided, single submitter. Criteria: ACMG Guidelines, 2015. Collection method: clinical testing. Allele origin: germline.
Comment: The ALG12 c.437G>A variant is predicted to result in the amino acid substitution p.Arg146Gln. This variant has been reported to be causative for autosomal recessive congenital disorder of glycosylation type 1g (CDG1G; OMIM: #607143; Grubenmann et al. 2002. PubMed ID: 12217961; Kranz et al. 2007. PubMed ID: 17506107; Normand et al. 2018. PubMed ID: 30266093). This variant is reported in 0.019% of alleles in individuals of European (Non-Finnish) descent in gnomAD. Given the evidence, we interpret c.437G>A (p.Arg146Gln) as pathogenic.

Daryl Scott Lab, Baylor College of Medicine
Classification: Pathogenic for ALG12-congenital disorder of glycosylation. Last evaluated: 2020-11-11. Review status: criteria provided, single submitter. Criteria: ACMG Guidelines, 2015. Collection method: clinical testing. Allele origin: paternal. Affected: yes. Observed: 2 variant alleles, 2 compound heterozygotes.

Genetic Services Laboratory, University of Chicago
Classification: Likely pathogenic. Last evaluated: 2017-10-13. Review status: criteria provided, single submitter. Criteria: ACMG Guidelines, 2015. Collection method: clinical testing. Allele origin: germline. Affected: yes.

Baylor Genetics
Classification: Pathogenic for ALG12-congenital disorder of glycosylation. Last evaluated: 2017-09-01. Review status: criteria provided, single submitter. Criteria: ACMG Guidelines, 2015. Collection method: clinical testing. Allele origin: maternal. Inheritance: Autosomal recessive inheritance. Affected: yes.

OMIM
Classification: Pathogenic for CONGENITAL DISORDER OF GLYCOSYLATION, TYPE Ig. Last evaluated: 2007-06-15. Review status: no assertion criteria provided. Collection method: literature only. Allele origin: germline. Not counted in ClinVar's aggregate classification.

Literature cited by the submitters: PubMed 30266093 (cited by Women's Health and Genetics/Laboratory Corporation of America, LabCorp and Labcorp Genetics (formerly Invitae), Labcorp); PubMed 12217961 (cited by 4 submitters); PubMed 17506107 (cited by 3 submitters); PubMed 33461977 (cited by 3 submitters); PubMed 25326635 (cited by Baylor Genetics).